The following is an entry in ClinVar:

NM_030665.4(RAI1):c.4144C>G (p.Leu1382Val)

Gene: RAI1 (retinoic acid induced 1; plus strand). Cytogenetic location: 17p11.2.
Variant type: single nucleotide variant.
Coding change: c.4144C>G on transcript NM_030665.4 (MANE Select); coding-DNA position 4144, C replaced by G.
Protein change: p.Leu1382Val; replaces leucine 1382 with valine.
Molecular consequence: missense variant.
Genome position (GRCh38, 1-based): chr17:17,797,092, C>G. VCF-style: chr17-17797092-C-G. GRCh37 (hg19) VCF-style: chr17-17700406-C-G.
Other names: c.4144C>G (NM_030665.3); short protein forms L1382V.
Identifiers: ClinVar variation 2912960 (VCV002912960.4), dbSNP rs1043750713, ClinGen allele CA288370983.
Genomic context (GRCh38, chr17:17,797,092, plus strand): 5'-TCCGACAAAGACCGTGGGCTCAAGGGTGCTGGGGGCAGCCCAGTGGGGGTGGAAGAAGGC[C>G]TGGTAAATGTGGGCACCGGGCAGAAGCTCCCAACTTCTGGGGCTGATCCGTTATGCAGAA-3'
Protein context (NP_109590.3, residues 1372-1392): GGSPVGVEEG[Leu1382Val]VNVGTGQKLP

ClinVar aggregate classification (germline): Uncertain significance. Review status: criteria provided, multiple submitters, no conflicts (2 of 4 stars). 2 submissions from 2 submitters: Uncertain significance (2). Last evaluated 2026-08-18.

Conditions:
RAI1-related disorder. Also called: RAI1-related condition.

Submissions (2):

PreventionGenetics, part of Exact Sciences
Classification: Uncertain significance for RAI1-related condition. Last evaluated: 2026-08-18. Review status: criteria provided, single submitter. Criteria: ACMG Guidelines, 2015. Collection method: clinical testing. Allele origin: germline.
Comment: The RAI1 c.4144C>G variant is predicted to result in the amino acid substitution p.Leu1382Val. To our knowledge, this variant has not been reported in the literature or in a large population database (gnomAD), indicating this variant is rare. At this time, the clinical significance of this variant is uncertain due to the absence of conclusive functional and genetic evidence.

Labcorp Genetics (formerly Invitae), Labcorp
Classification: Uncertain significance. Last evaluated: 2023-12-11. Review status: criteria provided, single submitter. Criteria: Invitae Variant Classification Sherloc (09022015). Collection method: clinical testing. Allele origin: germline.
Comment: This sequence change replaces leucine, which is neutral and non-polar, with valine, which is neutral and non-polar, at codon 1382 of the RAI1 protein (p.Leu1382Val). This variant is not present in population databases (gnomAD no frequency). This variant has not been reported in the literature in individuals affected with RAI1-related conditions. Advanced modeling of protein sequence and biophysical properties (such as structural, functional, and spatial information, amino acid conservation, physicochemical variation, residue mobility, and thermodynamic stability) performed at Invitae indicates that this missense variant is not expected to disrupt RAI1 protein function with a negative predictive value of 80%. In summary, the available evidence is currently insufficient to determine the role of this variant in disease. Therefore, it has been classified as a Variant of Uncertain Significance.